The following is an entry in ClinVar:

ClinVar aggregate classification (germline): Uncertain significance (1 of 4 stars; one submission).

Allele frequency attached by ClinVar (database versions not stated): gnomAD exomes below 0.00001.
gnomAD v4.1: 5 of 1,613,812 alleles (0.00031%); highest among the groups gnomAD compares: Non-Finnish European, 0.00042%; no homozygotes.

Submission:

Labcorp Genetics (formerly Invitae), Labcorp
Classification: Uncertain significance. Last evaluated: 2025-06-12. Review status: criteria provided, single submitter. Criteria: Invitae Variant Classification Sherloc (09022015). Collection method: clinical testing. Allele origin: germline.
Comment: This sequence change replaces tyrosine, which is neutral and polar, with cysteine, which is neutral and slightly polar, at codon 584 of the SLC12A2 protein (p.Tyr584Cys). This variant is not present in population databases (gnomAD no frequency). This variant has not been reported in the literature in individuals affected with SLC12A2-related conditions. ClinVar contains an entry for this variant (Variation ID: 2994362). Invitae Evidence Modeling of protein sequence and biophysical properties (such as structural, functional, and spatial information, amino acid conservation, physicochemical variation, residue mobility, and thermodynamic stability) indicates that this missense variant is expected to disrupt SLC12A2 protein function with a positive predictive value of 80%. In summary, the available evidence is currently insufficient to determine the role of this variant in disease. Therefore, it has been classified as a Variant of Uncertain Significance.

NM_001046.3(SLC12A2):c.1751A>G (p.Tyr584Cys)

Gene: SLC12A2 (solute carrier family 12 member 2; plus strand). Cytogenetic location: 5q23.3.
Variant type: single nucleotide variant.
Coding change: c.1751A>G on transcript NM_001046.3 (MANE Select); coding-DNA position 1751, A replaced by G.
Protein change: p.Tyr584Cys; replaces tyrosine 584 with cysteine.
Molecular consequence: missense variant. On other transcripts: non-coding transcript variant (1).
Genome position (GRCh38, 1-based): chr5:128,141,959, A>G. VCF-style: chr5-128141959-A-G. GRCh37 (hg19) VCF-style: chr5-127477651-A-G.
Other names: c.1751A>G, p.Tyr584Cys (NM_001256461.2); short protein forms Y584C.
Identifiers: ClinVar variation 2994362 (VCV002994362.3), dbSNP rs2479380432, ClinGen allele CA360745554.